The following is an entry in ClinVar:

NM_020822.3(KCNT1):c.814C>T (p.Leu272Phe)

Gene: KCNT1 (potassium sodium-activated channel subfamily T member 1; plus strand). Cytogenetic location: 9q34.3.
Variant type: single nucleotide variant.
Coding change: c.814C>T on transcript NM_020822.3 (MANE Select); coding-DNA position 814, C replaced by T.
Protein change: p.Leu272Phe; replaces leucine 272 with phenylalanine.
Molecular consequence: missense variant.
Genome position (GRCh38, 1-based): chr9:135,758,468, C>T. VCF-style: chr9-135758468-C-T. GRCh37 (hg19) VCF-style: chr9-138650314-C-T.
Other names: c.670C>T, p.Leu224Phe (NM_001272003.2); short protein forms L272F, L224F.
Identifiers: ClinVar variation 2936320 (VCV002936320.3), dbSNP rs757884130, ClinGen allele CA375498234.

ClinVar aggregate classification (germline): Uncertain significance (1 of 4 stars; one submission).

Conditions:
Autosomal dominant nocturnal frontal lobe epilepsy 5. Also called: Epilepsy, nocturnal frontal lobe, 5; CILIARY DYSKINESIA, PRIMARY, 28, WITHOUT SITUS INVERSUS; CILIARY DYSKINESIA, PRIMARY, 28, WITH SITUS INVERSUS; KCNT1-Related Epilepsy. Identifiers: Orphanet 98784, MedGen C3554306, MONDO:0014002, OMIM 615005.
Developmental and epileptic encephalopathy, 14 (DEE14). Also called: Early infantile epileptic encephalopathy 14. Identifiers: Orphanet 293181, MedGen C3554195, MONDO:0013989, OMIM 614959.

Allele frequency attached by ClinVar (database versions not stated): gnomAD exomes below 0.00001.
gnomAD v4.1: 1 of 1,613,786 alleles (0.000062%); highest among the groups gnomAD compares: Admixed American, 0.0017%; no homozygotes.

Submission:

Labcorp Genetics (formerly Invitae), Labcorp
Classification: Uncertain significance for Autosomal dominant nocturnal frontal lobe epilepsy 5; Developmental and epileptic encephalopathy, 14. Last evaluated: 2022-12-27. Review status: criteria provided, single submitter. Criteria: Invitae Variant Classification Sherloc (09022015). Collection method: clinical testing. Allele origin: germline.
Comment: In summary, the available evidence is currently insufficient to determine the role of this variant in disease. Therefore, it has been classified as a Variant of Uncertain Significance. Advanced modeling of protein sequence and biophysical properties (such as structural, functional, and spatial information, amino acid conservation, physicochemical variation, residue mobility, and thermodynamic stability) performed at Invitae indicates that this missense variant is not expected to disrupt KCNT1 protein function. This variant has not been reported in the literature in individuals affected with KCNT1-related conditions. This variant is present in population databases (no rsID available, gnomAD 0.003%). This sequence change replaces leucine, which is neutral and non-polar, with phenylalanine, which is neutral and non-polar, at codon 272 of the KCNT1 protein (p.Leu272Phe).